The following is an entry in ClinVar:

ClinVar aggregate classification (germline): Uncertain significance. Review status: criteria provided, multiple submitters, no conflicts (2 of 4 stars). 2 submissions from 2 submitters: Uncertain significance (2). Last evaluated 2024-08-14.

Conditions:
Hereditary nonpolyposis colorectal neoplasms. Identifiers: MedGen C0009405, MeSH D003123.
Hereditary cancer-predisposing syndrome. Also called: Hereditary Cancer Syndrome; Hereditary neoplastic syndrome; Neoplastic Syndromes, Hereditary; Tumor predisposition. Identifiers: Orphanet 140162, MedGen C0027672, MeSH D009386, MONDO:0015356.

Submissions (2):

Ambry Genetics
Classification: Uncertain significance for Hereditary cancer-predisposing syndrome. Last evaluated: 2024-08-14. Review status: criteria provided, single submitter. Criteria: Ambry Variant Classification Scheme 2023. Collection method: clinical testing. Allele origin: germline.
Comment: The p.E707G variant (also known as c.2120A>G), located in coding exon 4 of the MSH6 gene, results from an A to G substitution at nucleotide position 2120. The glutamic acid at codon 707 is replaced by glycine, an amino acid with similar properties. This amino acid position is conserved. In addition, this alteration is predicted to be deleterious by in silico analysis. Since supporting evidence is limited at this time, the clinical significance of this alteration remains unclear.

Labcorp Genetics (formerly Invitae), Labcorp
Classification: Uncertain significance for Hereditary nonpolyposis colorectal neoplasms. Last evaluated: 2022-01-07. Review status: criteria provided, single submitter. Criteria: Invitae Variant Classification Sherloc (09022015). Collection method: clinical testing. Allele origin: germline.
Comment: In summary, the available evidence is currently insufficient to determine the role of this variant in disease. Therefore, it has been classified as a Variant of Uncertain Significance. Advanced modeling of protein sequence and biophysical properties (such as structural, functional, and spatial information, amino acid conservation, physicochemical variation, residue mobility, and thermodynamic stability) performed at Invitae indicates that this missense variant is expected to disrupt MSH6 protein function. ClinVar contains an entry for this variant (Variation ID: 455177). This variant has not been reported in the literature in individuals affected with MSH6-related conditions. This variant is not present in population databases (gnomAD no frequency). This sequence change replaces glutamic acid, which is acidic and polar, with glycine, which is neutral and non-polar, at codon 707 of the MSH6 protein (p.Glu707Gly).

NM_000179.3(MSH6):c.2120A>G (p.Glu707Gly)

Gene: MSH6 (mutS homolog 6; plus strand). Cytogenetic location: 2p16.3.
Variant type: single nucleotide variant.
Coding change: c.2120A>G on transcript NM_000179.3 (MANE Select); coding-DNA position 2120, A replaced by G.
Protein change: p.Glu707Gly; replaces glutamic acid 707 with glycine.
Molecular consequence: missense variant.
Genome position (GRCh38, 1-based): chr2:47,800,103, A>G. VCF-style: chr2-47800103-A-G. GRCh37 (hg19) VCF-style: chr2-48027242-A-G.
Other names: c.1730A>G, p.Glu577Gly (NM_001281492.2); c.1214A>G, p.Glu405Gly (NM_001281493.2, NM_001281494.2); short protein forms E707G, E405G, E577G.
Identifiers: ClinVar variation 455177 (VCV000455177.12), dbSNP rs1553413485, ClinGen allele CA346750986.